The following is an entry in ClinVar:

NM_001135998.3(NDUFB11):c.445C>A (p.Leu149Met)

Gene: NDUFB11 (NADH:ubiquinone oxidoreductase subunit B11; minus strand). Cytogenetic location: Xp11.3.
Variant type: single nucleotide variant.
Coding change: c.445C>A on transcript NM_001135998.3 (MANE Select); coding-DNA position 445, C replaced by A.
Protein change: p.Leu149Met; replaces leucine 149 with methionine.
Molecular consequence: missense variant.
Genome position (GRCh38, 1-based): chrX:47,142,334, G>T on the plus strand (C>A on the coding strand, the complement: NDUFB11 is on the minus strand). VCF-style: chrX-47142334-G-T. GRCh37 (hg19) VCF-style: chrX-47001733-G-T.
Other names: c.475C>A, p.Leu159Met (NM_019056.7); short protein forms L149M, L159M.
Identifiers: ClinVar variation 1699747 (VCV001699747.2), dbSNP rs1246105623, ClinGen allele CA412780073.
Genomic context (GRCh38, chrX:47,142,334, plus strand): 5'-GGGTGGGGAAGGCGGTGCTTCTTGAGCCCCACTTAGCAACTGGTCACTCATCCTCTGGCA[G>T]CTGGATCTTGCTGGGGTCGAAGCAGTTGGATTCCATGATGGGAAGGCCATTGGCCTCTCG-3'
Protein context (NP_001129470.1, residues 139-153): SNCFDPSKIQ[Leu149Met]PEDE

ClinVar aggregate classification (germline): Uncertain significance (1 of 4 stars; one submission).

Allele frequency attached by ClinVar (database versions not stated): gnomAD 0.00001.

Submission:

GeneDx
Classification: Uncertain significance. Last evaluated: 2022-01-27. Review status: criteria provided, single submitter. Criteria: GeneDx Variant Classification Process June 2021. Collection method: clinical testing. Allele origin: germline. Affected: yes.
Comment: In silico analysis supports that this missense variant does not alter protein structure/function; Not observed at significant frequency in large population cohorts (gnomAD); Has not been previously published as pathogenic or benign to our knowledge